The following is an entry in ClinVar:

NM_152680.3(TMEM154):c.537-15_537-5dup

Gene: TMEM154 (transmembrane protein 154; minus strand). Cytogenetic location: 4q31.3.
Variant type: Duplication.
Coding change: c.537-15_537-5dup on transcript NM_152680.3 (MANE Select); 15 bases into the intron before coding-DNA position 537 through 5 bases into the intron before coding-DNA position 537, 11 bases duplicated (TTTTTTTTTTT).
Molecular consequence: intron variant.
Genome position (GRCh38, 1-based): chr4:152,628,566-152,628,576, AAAAAAAAAAA duplicated on the plus strand (TTTTTTTTTTT on the coding strand, the reverse complement: TMEM154 is on the minus strand); duplicating any 11 consecutive bases within chr4:152,628,566-152,628,592 gives the same sequence; the c. name uses the placement nearest the transcript's 3' end. VCF-style (leftmost placement, unchanged base first): chr4-152628565-T-TAAAAAAAAAAA. GRCh37 (hg19) VCF-style: chr4-153549717-T-TAAAAAAAAAAA.
Identifiers: ClinVar variation 2655132 (VCV002655132.24), dbSNP rs747613909, ClinGen allele CA1069593727.
Genomic context (GRCh38, chr4:152,628,565, plus strand): 5'-CAGGGGCTGCTTCTCTTGGAAAACATGAGCGCCATTCAGGTTTAGGATTCACTGTCACTG[T>TAAAAAAAAAAA]AAAAAAAAAAAAAAAAAAAAAAAAAAACAAAAAAAACACACACACACACACAAAACAGTA-3'

ClinVar aggregate classification (germline): Likely benign (1 of 4 stars; one submission).

Submission:

CeGaT Center for Human Genetics Tuebingen
Classification: Likely benign. Last evaluated: 2022-11-01. Review status: criteria provided, single submitter. Criteria: CeGaT Center For Human Genetics Tuebingen Variant Classification Criteria Version 2. Collection method: clinical testing. Allele origin: germline. Affected: yes. Observed: 1 variant allele.
Comment: TMEM154: BP4, BS2